The following is an entry in ClinVar:

NM_201384.3(PLEC):c.10778C>T (p.Ser3593Leu)

Gene: PLEC (plectin; minus strand). Cytogenetic location: 8q24.3.
Variant type: single nucleotide variant.
Coding change: c.10778C>T on transcript NM_201384.3 (MANE Select); coding-DNA position 10778, C replaced by T.
Protein change: p.Ser3593Leu; replaces serine 3593 with leucine.
Molecular consequence: missense variant.
Genome position (GRCh38, 1-based): chr8:143,919,043, G>A on the plus strand (C>T on the coding strand, the complement: PLEC is on the minus strand). VCF-style: chr8-143919043-G-A. GRCh37 (hg19) VCF-style: chr8-144993211-G-A.
Other names: c.10859C>T (NM_000445.3); c.10859C>T, p.Ser3620Leu (NM_000445.5); c.10736C>T, p.Ser3579Leu (NM_201378.4); c.10712C>T, p.Ser3571Leu (NM_201379.3); c.11189C>T, p.Ser3730Leu (NM_201380.4); c.10682C>T, p.Ser3561Leu (NM_201381.3); c.10778C>T, p.Ser3593Leu (NM_201382.4); c.10790C>T, p.Ser3597Leu (NM_201383.3); short protein forms S3593L, S3597L, S3730L, S3571L, S3579L, S3561L, S3620L.
Identifiers: ClinVar variation 1400243 (VCV001400243.9), dbSNP rs782707803, ClinGen allele CA4924538.

ClinVar aggregate classification (germline): Uncertain significance. Review status: criteria provided, multiple submitters, no conflicts (2 of 4 stars). 3 submissions from 3 submitters: Uncertain significance (3). Last evaluated 2025-03-14.

Conditions:
Epidermolysis bullosa simplex 5C, with pyloric atresia (EBS5C). Also called: Epidermolysis bullosa simplex with pyloric atresia; PLEC-Related Epidermolysis Bullosa with Pyloric Atresia; PLEC1-Related Epidermolysis Bullosa with Pyloric Atresia. Identifiers: Orphanet 158684, MedGen C2677349, MONDO:0012807, OMIM 612138.
Epidermolysis bullosa simplex with nail dystrophy (EBS5D). Identifiers: MedGen C4225309, MONDO:0014661, OMIM 616487.
Epidermolysis bullosa simplex 5B, with muscular dystrophy (EBS5B). Also called: Epidermolysis bullosa simplex with muscular dystrophy; EPIDERMOLYSIS BULLOSA SIMPLEX AND LIMB-GIRDLE MUSCULAR DYSTROPHY. Identifiers: Orphanet 257, MedGen C2931072, MONDO:0009181, OMIM 226670.
Autosomal recessive limb-girdle muscular dystrophy type 2Q (LGMDR17). Also called: MUSCULAR DYSTROPHY, LIMB-GIRDLE, AUTOSOMAL RECESSIVE 17. Identifiers: Orphanet 254361, MedGen C3150989, MONDO:0013390, OMIM 613723.
Epidermolysis bullosa simplex, Ogna type (EBS5A). Also called: Pidermolysis bullosa simplex 5A, Ogna type; EPIDERMOLYSIS BULLOSA SIMPLEX 5A, OGNA TYPE. Identifiers: Orphanet 79401, MedGen C0432317, MONDO:0007555, OMIM 131950.
Inborn genetic diseases. Identifiers: MedGen C0950123, MeSH D030342.

Allele frequency attached by ClinVar (database versions not stated): TOPMed 0.00002; ExAC 0.00004; gnomAD exomes 0.00004.
gnomAD v4.1: 52 of 1,611,196 alleles (0.0032%); highest among the groups gnomAD compares: East Asian, 0.011%; no homozygotes.

Submissions (3):

Ambry Genetics
Classification: Uncertain significance for Inborn genetic diseases. Last evaluated: 2025-03-14. Review status: criteria provided, single submitter. Criteria: Ambry Variant Classification Scheme 2023. Collection method: clinical testing. Allele origin: germline.

Labcorp Genetics (formerly Invitae), Labcorp
Classification: Uncertain significance for Autosomal recessive limb-girdle muscular dystrophy type 2Q; Epidermolysis bullosa simplex, Ogna type; Epidermolysis bullosa simplex with nail dystrophy; Epidermolysis bullosa simplex 5C, with pyloric atresia; Epidermolysis bullosa simplex 5B, with muscular dystrophy. Last evaluated: 2024-02-29. Review status: criteria provided, single submitter. Criteria: Invitae Variant Classification Sherloc (09022015). Collection method: clinical testing. Allele origin: germline.
Comment: This sequence change replaces serine, which is neutral and polar, with leucine, which is neutral and non-polar, at codon 3620 of the PLEC protein (p.Ser3620Leu). This variant is present in population databases (rs782707803, gnomAD 0.01%). This variant has not been reported in the literature in individuals affected with PLEC-related conditions. ClinVar contains an entry for this variant (Variation ID: 1400243). An algorithm developed to predict the effect of missense changes on protein structure and function (PolyPhen-2) suggests that this variant is likely to be disruptive. In summary, the available evidence is currently insufficient to determine the role of this variant in disease. Therefore, it has been classified as a Variant of Uncertain Significance.

Revvity Omics, Revvity
Classification: Uncertain significance. Last evaluated: 2022-01-06. Review status: criteria provided, single submitter. Criteria: ACMG Guidelines, 2015. Collection method: clinical testing. Allele origin: germline.